The following is an entry in ClinVar:

ClinVar aggregate classification (germline): Uncertain significance. Review status: criteria provided, single submitter (1 of 4 stars). 2 submissions from 2 submitters: Uncertain significance (1). 1 of the submissions does not count toward it. Last evaluated 2023-08-17.

Conditions:
Autosomal recessive nonsyndromic hearing loss 18A. Also called: DEAFNESS, AUTOSOMAL RECESSIVE 18; Deafness, autosomal recessive 18A. Identifiers: Orphanet 90636, MedGen C1865870, MONDO:0011192, OMIM 602092.
Usher syndrome type 1C. Also called: USHER SYNDROME, TYPE I, ACADIAN VARIETY. Identifiers: Orphanet 231169, Orphanet 886, MedGen C1848604, MONDO:0010171, OMIM 276904.

Submissions (2):

Labcorp Genetics (formerly Invitae), Labcorp
Classification: Uncertain significance. Last evaluated: 2023-08-17. Review status: criteria provided, single submitter. Criteria: Invitae Variant Classification Sherloc (09022015). Collection method: clinical testing. Allele origin: germline.
Comment: This variant is also known as p.Thr811_Glu817del. In summary, the available evidence is currently insufficient to determine the role of this variant in disease. Therefore, it has been classified as a Variant of Uncertain Significance. Experimental studies and prediction algorithms are not available or were not evaluated, and the functional significance of this variant is currently unknown. ClinVar contains an entry for this variant (Variation ID: 555054). This variant has been observed in individual(s) with USH1C-related condition (PMID: 32467589). This variant is present in population databases (rs779253356, gnomAD 0.004%). This variant, c.1531_1551del, results in the deletion of 7 amino acid(s) of the USH1C protein (p.Thr511_Glu517del), but otherwise preserves the integrity of the reading frame.

Counsyl
Classification: Uncertain significance for Usher syndrome type 1C; Autosomal recessive nonsyndromic hearing loss 18A. Last evaluated: 2017-11-15. Review status: no assertion criteria provided. Collection method: clinical testing. Allele origin: unknown. Not counted in ClinVar's aggregate classification.

Literature cited by the submitters: PubMed 32467589 (cited by Labcorp Genetics (formerly Invitae), Labcorp).

NM_153676.4(USH1C):c.2431_2451del (p.Thr811_Glu817del)

Gene: USH1C (USH1 protein network component harmonin; minus strand). Cytogenetic location: 11p15.1.
Variant type: Deletion.
Coding change: c.2431_2451del on transcript NM_153676.4 (MANE Select); coding-DNA positions 2431 to 2451, 21 bases deleted (ACAGACTACACCCTGGCTGAG).
Protein change: p.Thr811_Glu817del.
Molecular consequence: inframe deletion. On other transcripts: non-coding transcript variant (1).
Genome position (GRCh38, 1-based): chr11:17,498,201-17,498,221, CTCAGCCAGGGTGTAGTCTGT deleted on the plus strand (ACAGACTACACCCTGGCTGAG on the coding strand, the reverse complement: USH1C is on the minus strand); deleting any 21 consecutive bases within chr11:17,498,201-17,498,222 gives the same sequence; the c. name uses the placement nearest the transcript's 3' end. VCF-style (leftmost placement, unchanged base first): chr11-17498200-CCTCAGCCAGGGTGTAGTCTGT-C. GRCh37 (hg19) VCF-style: chr11-17519747-CCTCAGCCAGGGTGTAGTCTGT-C.
Other names: c.1474_1494del, p.Thr492_Glu498del (NM_001297764.2); c.1531_1551del, p.Thr511_Glu517del (NM_005709.4).
Identifiers: ClinVar variation 555054 (VCV000555054.6), dbSNP rs779253356, ClinGen allele CA5904160.